The following is an entry in ClinVar:

NM_000313.4(PROS1):c.152_153del (p.Gln51fs)

Gene: PROS1 (protein S; minus strand). Cytogenetic location: 3q11.1.
Variant type: Deletion.
Coding change: c.152_153del on transcript NM_000313.4 (MANE Select); coding-DNA positions 152 to 153, 2 bases deleted (AG; older notation c.152_153delAG).
Protein change: p.Gln51fs; shifts the reading frame from glutamine 51.
Molecular consequence: frameshift variant.
Genome position (GRCh38, 1-based): chr3:93,927,331-93,927,332, CT deleted on the plus strand (AG on the coding strand, the reverse complement: PROS1 is on the minus strand). VCF-style (leftmost placement, unchanged base first): chr3-93927330-CCT-C. GRCh37 (hg19) VCF-style: chr3-93646174-CCT-C.
Other names: c.248_249del, p.Gln83fs (NM_001314077.2); short protein forms Q51fs, Q83fs.
Identifiers: ClinVar variation 4747325 (VCV004747325.1).
Genomic context (GRCh38, chr3:93,927,330, plus strand): 5'-AGACCTCCCTGGCTTCTTCTTTATTGCACAGTTCTTCGATGCATTCTCTTTCAAGATTAC[CCT>C]GTTTGGTTTCTTCAAGTAAAGAATTTGCACGACGCTTCCTAACCAGGACTTGTGAAGCCT-3'

ClinVar aggregate classification (germline): Pathogenic (1 of 4 stars; one submission).

Conditions:
Thrombophilia due to protein S deficiency, autosomal recessive (THPH6). Identifiers: Orphanet 743, MedGen C3281092, MONDO:0013791, OMIM 614514. Disease mechanism: loss of function.

Submission:

Labcorp Genetics (formerly Invitae), Labcorp
Classification: Pathogenic for Thrombophilia due to protein S deficiency, autosomal recessive. Last evaluated: 2025-11-06. Review status: criteria provided, single submitter. Criteria: Invitae Variant Classification Sherloc (09022015). Collection method: clinical testing. Allele origin: germline.
Comment: This sequence change creates a premature translational stop signal (p.Gln51Argfs*2) in the PROS1 gene. It is expected to result in an absent or disrupted protein product. Loss-of-function variants in PROS1 are known to be pathogenic (PMID: 9241758). This variant is not present in population databases (gnomAD no frequency). This premature translational stop signal has been observed in individual(s) with inherited thrombophilia (PMID: 22627591). For these reasons, this variant has been classified as Pathogenic.

Literature cited by the submitters: PubMed 9241758; PubMed 22627591.